The following is an entry in ClinVar:

NM_000243.3(MEFV):c.390C>A (p.Asn130Lys)

Gene: MEFV (MEFV innate immunity regulator, pyrin; minus strand). Cytogenetic location: 16p13.3.
Variant type: single nucleotide variant.
Coding change: c.390C>A on transcript NM_000243.3 (MANE Select); coding-DNA position 390, C replaced by A.
Protein change: p.Asn130Lys; replaces asparagine 130 with lysine.
Molecular consequence: missense variant. On other transcripts: intron variant (1).
Genome position (GRCh38, 1-based): chr16:3,254,678, G>T on the plus strand (C>A on the coding strand, the complement: MEFV is on the minus strand). VCF-style: chr16-3254678-G-T. GRCh37 (hg19) VCF-style: chr16-3304678-G-T.
Other names: c.277+1633C>A (NM_001198536.2); short protein forms N130K.
Identifiers: ClinVar variation 2580225 (VCV002580225.1), dbSNP rs780976880, ClinGen allele CA394481853.

ClinVar aggregate classification (germline): Uncertain significance (1 of 4 stars; one submission).

Conditions:
Familial Mediterranean fever (FMF). Also called: POLYSEROSITIS, FAMILIAL PAROXYSMAL; POLYSEROSITIS, RECURRENT; Periodic peritonitis; Benign paroxysmal peritonitis. Identifiers: Orphanet 342, MedGen C0031069, MONDO:0018088, OMIM 249100. Disease mechanism: gain of function.

Submission:

Illumina Laboratory Services, Illumina
Classification: Uncertain significance for Familial Mediterranean fever. Last evaluated: 2023-05-12. Review status: criteria provided, single submitter. Criteria: ICSLVariantClassificationCriteria RUGD 01 April 2020. Collection method: clinical testing. Allele origin: unknown.
Comment: The MEFV c.390C>A (p.Asn130Lys) missense variant has not, to our knowledge, been reported in the peer-reviewed literature. This variant is not observed at a significant frequency in version 2.1.1 or version 3.1.2 of the Genome Aggregation Database. Multiple lines of computational evidence suggest the variant may not impact the gene or gene product. Based on the available evidence, the c.390C>A (p.Asn130Lys) variant is classified as a variant of uncertain significance for familial Mediterranean fever.